The following is an entry in ClinVar:

NM_007294.4(BRCA1):c.1399A>T (p.Lys467Ter)

Gene: BRCA1 (BRCA1 DNA repair associated; minus strand). Cytogenetic location: 17q21.31.
Variant type: single nucleotide variant.
Coding change: c.1399A>T on transcript NM_007294.4 (MANE Select); coding-DNA position 1399, A replaced by T.
Protein change: p.Lys467Ter; replaces lysine 467 with a stop codon.
Molecular consequence: nonsense. On other transcripts: intron variant (137).
Genome position (GRCh38, 1-based): chr17:43,094,132, T>A on the plus strand (A>T on the coding strand, the complement: BRCA1 is on the minus strand). VCF-style: chr17-43094132-T-A. GRCh37 (hg19) VCF-style: chr17-41246149-T-A.
Other names: c.1276A>T, p.Lys426Ter (NM_001407938.1, NM_001407939.1, NM_001407648.1 and 19 more transcripts); c.1273A>T, p.Lys425Ter (NM_001407940.1, NM_001407941.1, NM_001407649.1 and 11 more transcripts); c.1258A>T, p.Lys420Ter (NM_001407942.1, NM_001407944.1, NM_001407945.1 and 29 more transcripts); c.1255A>T, p.Lys419Ter (NM_001407943.1, NM_001407964.1, NM_001407740.1 and 20 more transcripts); c.1066A>T, p.Lys356Ter (NM_001407946.1, NM_001407947.1, NM_001407948.1 and 6 more transcripts); c.1063A>T, p.Lys355Ter (NM_001407954.1, NM_001407955.1, NM_001407956.1 and 1 more transcripts); c.1018A>T, p.Lys340Ter (NM_001407959.1, NM_001407960.1, NM_001407963.1); c.1015A>T, p.Lys339Ter (NM_001407962.1); and 40 more; short protein forms K467*, K420*, K378*, K379*, K425*, K464*, K171*, K339*.
Identifiers: ClinVar variation 54241 (VCV000054241.4), dbSNP rs80357279, ClinGen allele CA000941.
Genomic context (GRCh38, chr17:43,094,132, plus strand): 5'-CAAATGCTCCTATAATTAGATTTTCAGTTACATGGCTTAAGTTGGGGAGGCTTGCCTTCT[T>A]CCGATAGGTTTTCCCAAATATTTTGTCTTCAATATTACTCTCTACTGATTTGGAGTGAAC-3'

ClinVar aggregate classification (germline): Pathogenic. Review status: reviewed by expert panel (3 of 4 stars). 2 submissions from 2 submitters: Pathogenic (1). 1 of the submissions does not count toward it. Last evaluated 2016-09-08.

Conditions:
Breast-ovarian cancer, familial, susceptibility to, 1 (BROVCA1). Also called: OVARIAN CANCER, SUSCEPTIBILITY TO; BRCA1 Hereditary Breast and Ovarian Cancer. Identifiers: Orphanet 145, MedGen C2676676, MONDO:0011450, OMIM 604370. Disease mechanism: loss of function.

Submissions (2):

Evidence-based Network for the Interpretation of Germline Mutant Alleles (ENIGMA)
Classification: Pathogenic for Breast-ovarian cancer, familial, susceptibility to, 1. Last evaluated: 2016-09-08. Review status: reviewed by expert panel. Criteria: ENIGMA BRCA1/2 Classification Criteria (2015). Collection method: curation. Allele origin: germline.
Comment: Variant allele predicted to encode a truncated non-functional protein.

Breast Cancer Information Core (BIC) (BRCA1)
Classification: Pathogenic for Breast-ovarian cancer, familial 1. Last evaluated: 1997-02-15. Review status: no assertion criteria provided. Collection method: clinical testing. Allele origin: germline. Affected: yes. Observed: 3 variant alleles. Not counted in ClinVar's aggregate classification.